The following is an entry in ClinVar:

ClinVar aggregate classification (germline): Uncertain significance (1 of 4 stars; one submission).

Submission:

GeneDx
Classification: Uncertain significance. Last evaluated: 2024-10-23. Review status: criteria provided, single submitter. Criteria: GeneDx Variant Classification Process June 2021. Collection method: clinical testing. Allele origin: germline. Affected: yes.
Comment: Not observed at significant frequency in large population cohorts (gnomAD); In silico analysis supports that this missense variant has a deleterious effect on protein structure/function; Has not been previously published as pathogenic or benign to our knowledge

NM_022489.4(INF2):c.146A>G (p.Asn49Ser)

Gene: INF2 (inverted formin 2; plus strand). Cytogenetic location: 14q32.33.
Variant type: single nucleotide variant.
Coding change: c.146A>G on transcript NM_022489.4 (MANE Select); coding-DNA position 146, A replaced by G.
Protein change: p.Asn49Ser; replaces asparagine 49 with serine.
Molecular consequence: missense variant. On other transcripts: non-coding transcript variant (1).
Genome position (GRCh38, 1-based): chr14:104,701,511, A>G. VCF-style: chr14-104701511-A-G. GRCh37 (hg19) VCF-style: chr14-105167848-A-G.
Other names: c.146A>G, p.Asn49Ser (NM_001031714.4, NM_001426862.1, NM_001426863.1 and 6 more transcripts); short protein forms N49S.
Identifiers: ClinVar variation 3893596 (VCV003893596.1).